The following is an entry in ClinVar:

NM_005505.5(SCARB1):c.142C>G (p.Pro48Ala)

Gene: SCARB1 (scavenger receptor class B member 1; minus strand). Cytogenetic location: 12q24.31.
Variant type: single nucleotide variant.
Coding change: c.142C>G on transcript NM_005505.5 (MANE Select); coding-DNA position 142, C replaced by G.
Protein change: p.Pro48Ala; replaces proline 48 with alanine.
Molecular consequence: missense variant. On other transcripts: non-coding transcript variant (9).
Genome position (GRCh38, 1-based): chr12:124,817,692, G>C on the plus strand (C>G on the coding strand, the complement: SCARB1 is on the minus strand). VCF-style: chr12-124817692-G-C. GRCh37 (hg19) VCF-style: chr12-125302238-G-C.
Other names: c.142C>G, p.Pro48Ala (NM_001082959.2, NM_001367981.1, NM_001367983.1 and 6 more transcripts); c.19C>G, p.Pro7Ala (NM_001367982.1); c.142C>G (NM_005505.4); short protein forms P48A, P7A.
Identifiers: ClinVar variation 1943934 (VCV001943934.6), dbSNP rs905029865, ClinGen allele CA245229726.
Genomic context (GRCh38, chr12:124,817,692, plus strand): 5'-AGACGGAGAGATAGAAGGGGATAGGGATCTCCTTCCACATGTTGAAGGACAGGCTACTGG[G>C]GTCGATGCGCACGTTCTGCAGGGGAAGGGACAAGTACGCTTGTGAGGAGAGTGATGAGGG-3'
Protein context (NP_005496.4, residues 38-58): QQVLKNVRID[Pro48Ala]SSLSFNMWKE

ClinVar aggregate classification (germline): Uncertain significance. Review status: criteria provided, multiple submitters, no conflicts (2 of 4 stars). 2 submissions from 2 submitters: Uncertain significance (2). Last evaluated 2025-09-09.

Allele frequency attached by ClinVar (database versions not stated): TOPMed below 0.00001; gnomAD 0.00001; gnomAD exomes 0.00003.
gnomAD v4.1: 60 of 1,614,106 alleles (0.0037%); highest among the groups gnomAD compares: Non-Finnish European, 0.0042%; no homozygotes.

Submissions (2):

Ambry Genetics
Classification: Uncertain significance. Last evaluated: 2025-09-09. Review status: criteria provided, single submitter. Criteria: Ambry Variant Classification Scheme 2023. Collection method: clinical testing. Allele origin: germline.

Labcorp Genetics (formerly Invitae), Labcorp
Classification: Uncertain significance. Last evaluated: 2023-02-22. Review status: criteria provided, single submitter. Criteria: Invitae Variant Classification Sherloc (09022015). Collection method: clinical testing. Allele origin: germline.
Comment: In summary, the available evidence is currently insufficient to determine the role of this variant in disease. Therefore, it has been classified as a Variant of Uncertain Significance. Advanced modeling of protein sequence and biophysical properties (such as structural, functional, and spatial information, amino acid conservation, physicochemical variation, residue mobility, and thermodynamic stability) performed at Invitae indicates that this missense variant is expected to disrupt SCARB1 protein function. This variant has not been reported in the literature in individuals affected with SCARB1-related conditions. This variant is present in population databases (no rsID available, gnomAD 0.0009%). This sequence change replaces proline, which is neutral and non-polar, with alanine, which is neutral and non-polar, at codon 48 of the SCARB1 protein (p.Pro48Ala).